The following is an entry in ClinVar:

NM_018136.5(ASPM):c.2954_2955del (p.Leu985fs)

Gene: ASPM (assembly factor for spindle microtubules; minus strand). Cytogenetic location: 1q31.3.
Variant type: Microsatellite.
Coding change: c.2954_2955del on transcript NM_018136.5 (MANE Select); coding-DNA positions 2954 to 2955, 2 bases deleted (TC; older notation c.2954_2955delTC).
Protein change: p.Leu985fs; shifts the reading frame from leucine 985.
Molecular consequence: frameshift variant.
Genome position (GRCh38, 1-based): chr1:197,125,173-197,125,174, GA deleted on the plus strand (TC on the coding strand, the reverse complement: ASPM is on the minus strand); deleting any 2 consecutive bases within chr1:197,125,173-197,125,176 gives the same sequence; the c. name uses the placement nearest the transcript's 3' end. VCF-style (leftmost placement, unchanged base first): chr1-197125172-TGA-T. GRCh37 (hg19) VCF-style: chr1-197094302-TGA-T.
Other names: c.2954_2955del, p.Leu985fs (NM_001206846.2); short protein forms L985fs.
Identifiers: ClinVar variation 3014942 (VCV003014942.3), dbSNP rs2527355524, ClinGen allele CA2740090428.

ClinVar aggregate classification (germline): Pathogenic (1 of 4 stars; one submission).

Submission:

Labcorp Genetics (formerly Invitae), Labcorp
Classification: Pathogenic. Last evaluated: 2023-11-29. Review status: criteria provided, single submitter. Criteria: Invitae Variant Classification Sherloc (09022015). Collection method: clinical testing. Allele origin: germline.
Comment: This sequence change creates a premature translational stop signal (p.Leu985Hisfs*25) in the ASPM gene. It is expected to result in an absent or disrupted protein product. Loss-of-function variants in ASPM are known to be pathogenic (PMID: 19028728, 23611254). This variant is not present in population databases (gnomAD no frequency). This variant has not been reported in the literature in individuals affected with ASPM-related conditions. For these reasons, this variant has been classified as Pathogenic.

Literature cited by the submitters: PubMed 19028728; PubMed 23611254.